The following is an entry in ClinVar:

ClinVar aggregate classification (germline): Uncertain significance (1 of 4 stars; one submission).

Submission:

GeneDx
Classification: Uncertain significance. Last evaluated: 2021-06-28. Review status: criteria provided, single submitter. Criteria: GeneDx Variant Classification Process June 2021. Collection method: clinical testing. Allele origin: germline. Affected: yes.
Comment: Not observed at significant frequency in large population cohorts (Lek et al., 2016); Has not been previously published as pathogenic or benign to our knowledge; In-silico analysis, which includes splice predictors and evolutionary conservation, is inconclusive as to whether the variant alters gene splicing. In the absence of RNA/functional studies, the actual effect of this sequence change is unknown.; This variant is associated with the following publications: (PMID: 27535533)

NM_133261.3(GIPC3):c.226-12T>C

Gene: GIPC3 (GIPC PDZ domain containing family member 3; plus strand). Cytogenetic location: 19p13.3.
Variant type: single nucleotide variant.
Coding change: c.226-12T>C on transcript NM_133261.3 (MANE Select); 12 bases into the intron before coding-DNA position 226, T replaced by C.
Molecular consequence: intron variant.
Genome position (GRCh38, 1-based): chr19:3,586,483, T>C. VCF-style: chr19-3586483-T-C. GRCh37 (hg19) VCF-style: chr19-3586481-T-C.
Identifiers: ClinVar variation 1331262 (VCV001331262.2), dbSNP rs2145269341, ClinGen allele CA2573054752.